The following is an entry in ClinVar:

NM_001131007.2(TMEM131L):c.2154C>T (p.Gly718=)

Gene: TMEM131L (transmembrane 131 like; plus strand). Cytogenetic location: 4q31.3.
Variant type: single nucleotide variant.
Coding change: c.2154C>T on transcript NM_001131007.2 (MANE Select); coding-DNA position 2154, C replaced by T.
Protein change: p.Gly718=; no amino-acid change (glycine 718 retained).
Molecular consequence: synonymous variant.
Genome position (GRCh38, 1-based): chr4:153,598,620, C>T. VCF-style: chr4-153598620-C-T. GRCh37 (hg19) VCF-style: chr4-154519772-C-T.
Other names: c.2151C>T, p.Gly717= (NM_015196.4).
Identifiers: ClinVar variation 2655135 (VCV002655135.24), dbSNP rs371805678, ClinGen allele CA3109871.

ClinVar aggregate classification (germline): Likely benign (1 of 4 stars; one submission).

Allele frequency attached by ClinVar (database versions not stated): gnomAD 0.00001; ExAC 0.00006; TOPMed 0.00008.
gnomAD v4.1: 84 of 1,613,398 alleles (0.0052%); highest among the groups gnomAD compares: East Asian, 0.02%; 1 homozygote.

Submission:

CeGaT Center for Human Genetics Tuebingen
Classification: Likely benign. Last evaluated: 2023-02-01. Review status: criteria provided, single submitter. Criteria: CeGaT Center For Human Genetics Tuebingen Variant Classification Criteria Version 2. Collection method: clinical testing. Allele origin: germline. Affected: yes. Observed: 1 variant allele.
Comment: TMEM131L: BP4, BP7